The following is an entry in ClinVar:

NM_000465.4(BARD1):c.1914A>G (p.Ala638=)

Gene: BARD1 (BRCA1 associated RING domain 1; minus strand). Cytogenetic location: 2q35.
Variant type: single nucleotide variant.
Coding change: c.1914A>G on transcript NM_000465.4 (MANE Select); coding-DNA position 1914, A replaced by G.
Protein change: p.Ala638=; no amino-acid change (alanine 638 retained).
Molecular consequence: synonymous variant. On other transcripts: non-coding transcript variant (3).
Genome position (GRCh38, 1-based): chr2:214,730,498, T>C on the plus strand (A>G on the coding strand, the complement: BARD1 is on the minus strand). VCF-style: chr2-214730498-T-C. GRCh37 (hg19) VCF-style: chr2-215595222-T-C.
Other names: c.1857A>G, p.Ala619= (NM_001282543.2); c.561A>G, p.Ala187= (NM_001282545.2); c.504A>G, p.Ala168= (NM_001282548.2); c.375A>G, p.Ala125= (NM_001282549.2).
Identifiers: ClinVar variation 230296 (VCV000230296.32), dbSNP rs876658489, ClinGen allele CA10577778.

ClinVar aggregate classification (germline): Benign/Likely benign. Review status: criteria provided, multiple submitters, no conflicts (2 of 4 stars). 4 submissions from 4 submitters: Benign (1); Likely benign (3). Last evaluated 2024-07-29.

Conditions:
Hereditary cancer-predisposing syndrome. Also called: Neoplastic Syndromes, Hereditary; Hereditary Cancer Syndrome; Tumor predisposition; Hereditary neoplastic syndrome. Identifiers: Orphanet 140162, MedGen C0027672, MeSH D009386, MONDO:0015356.
Familial cancer of breast. Also called: Hereditary breast cancer; hereditary breast carcinoma; BREAST CANCER, FAMILIAL. Identifiers: Orphanet 227535, MedGen C0346153, MONDO:0016419, OMIM 114480. Disease mechanism: loss of function.

gnomAD v4.1: 1 of 1,613,644 alleles (0.000062%); highest among the groups gnomAD compares: Non-Finnish European, 0.000085%; no homozygotes.

Submissions (4):

Myriad Genetics, Inc.
Classification: Benign for Familial cancer of breast. Last evaluated: 2024-07-29. Review status: criteria provided, single submitter. Criteria: Myriad Autosomal Dominant, Autosomal Recessive and X-Linked Classification Criteria (2023). Collection method: clinical testing. Allele origin: unknown.
Comment: This variant is considered benign. This variant is a silent/synonymous amino acid change and it is not expected to impact splicing.

Labcorp Genetics (formerly Invitae), Labcorp
Classification: Likely benign for Familial cancer of breast. Last evaluated: 2024-03-30. Review status: criteria provided, single submitter. Criteria: Invitae Variant Classification Sherloc (09022015). Collection method: clinical testing. Allele origin: germline.

CeGaT Center for Human Genetics Tuebingen
Classification: Likely benign. Last evaluated: 2022-09-01. Review status: criteria provided, single submitter. Criteria: CeGaT Center For Human Genetics Tuebingen Variant Classification Criteria Version 2. Collection method: clinical testing. Allele origin: germline. Affected: yes. Observed: 1 variant allele.
Comment: BARD1: PM2:Supporting, BP4, BP7

Ambry Genetics
Classification: Likely benign for Hereditary cancer-predisposing syndrome. Last evaluated: 2015-01-29. Review status: criteria provided, single submitter. Criteria: Ambry Variant Classification Scheme 2023. Collection method: clinical testing. Allele origin: germline.